The following is an entry in ClinVar:

NM_015330.6(SPECC1L):c.1542G>A (p.Gln514=)

Genes: SPECC1L (sperm antigen with calponin homology and coiled-coil domains 1 like; plus strand), SPECC1L-ADORA2A (SPECC1L-ADORA2A readthrough (NMD candidate); plus strand). Cytogenetic location: 22q11.23.
Variant type: single nucleotide variant.
Coding change: c.1542G>A on transcript NM_015330.6 (MANE Select); coding-DNA position 1542, G replaced by A.
Protein change: p.Gln514=; no amino-acid change (glutamine 514 retained).
Molecular consequence: synonymous variant. On other transcripts: non-coding transcript variant (1).
Genome position (GRCh38, 1-based): chr22:24,322,522, G>A. VCF-style: chr22-24322522-G-A. GRCh37 (hg19) VCF-style: chr22-24718490-G-A.
Other names: c.1542G>A, p.Gln514= (NM_001145468.4, NM_001254732.3).
Identifiers: ClinVar variation 731144 (VCV000731144.13), dbSNP rs139026931, ClinGen allele CA10152136.
Genomic context (GRCh38, chr22:24,322,522, plus strand): 5'-TTACATGGACCTCGCTGAGAATGCCCGTTTTGAACGGGAGCAGCTTCTTGGTGTCCAGCA[G>A]CATTTAAGCAATACTTTGAAAATGGCAGAACAAGACAATAAGGAAGCTCAAGAAATGATA-3'
Protein context (NP_056145.5, residues 504-524): FEREQLLGVQ[Gln514=]HLSNTLKMAE

ClinVar aggregate classification (germline): Benign. Review status: criteria provided, multiple submitters, no conflicts (2 of 4 stars). 3 submissions from 3 submitters: Benign (2). 1 of the submissions does not count toward it. Last evaluated 2026-01-06.

Conditions:
SPECC1L-related disorder. Also called: SPECC1L-related condition.

Allele frequency attached by ClinVar (database versions not stated): gnomAD exomes 0.00011 and 0.00030; ExAC 0.00043; 1000 Genomes Project 0.00100; gnomAD 0.00115 and 0.00124; TOPMed 0.00124; 1000 Genomes Project 30x 0.00156; ESP Exome Variant Server 0.00192.
gnomAD v4.1: 338 of 1,614,170 alleles (0.021%); highest among the groups gnomAD compares: African/African-American, 0.41%; 1 homozygote.

Submissions (3):

Labcorp Genetics (formerly Invitae), Labcorp
Classification: Benign. Last evaluated: 2026-01-06. Review status: criteria provided, single submitter. Criteria: Invitae Variant Classification Sherloc (09022015). Collection method: clinical testing. Allele origin: germline.

Genetic Services Laboratory, University of Chicago
Classification: Benign. Last evaluated: 2017-08-21. Review status: criteria provided, single submitter. Criteria: ACMG Guidelines, 2015. Collection method: clinical testing. Allele origin: germline. Affected: no.

PreventionGenetics, part of Exact Sciences
Classification: Likely benign for SPECC1L-related condition. Last evaluated: 2019-05-13. Review status: no assertion criteria provided. Collection method: clinical testing. Allele origin: germline. Not counted in ClinVar's aggregate classification.
Comment: This variant is classified as likely benign based on ACMG/AMP sequence variant interpretation guidelines (Richards et al. 2015 PMID: 25741868, with internal and published modifications).